The following is an entry in ClinVar:

NM_001040108.2(MLH3):c.2811A>G (p.Thr937=)

Gene: MLH3 (mutL homolog 3; minus strand). Cytogenetic location: 14q24.3.
Variant type: single nucleotide variant.
Coding change: c.2811A>G on transcript NM_001040108.2 (MANE Select); coding-DNA position 2811, A replaced by G.
Protein change: p.Thr937=; no amino-acid change (threonine 937 retained).
Molecular consequence: synonymous variant.
Genome position (GRCh38, 1-based): chr14:75,046,845, T>C on the plus strand (A>G on the coding strand, the complement: MLH3 is on the minus strand). VCF-style: chr14-75046845-T-C. GRCh37 (hg19) VCF-style: chr14-75513548-T-C.
Other names: c.2811A>G, p.Thr937= (NM_014381.3).
Identifiers: ClinVar variation 2497087 (VCV002497087.28), dbSNP rs2503260085, ClinGen allele CA487272918.
Genomic context (GRCh38, chr14:75,046,845, plus strand): 5'-GCTGTTAGAATGTGTTTTACTATTTTTATTAAAGGAATTATCCTGTGTGGCAGAATCTGA[T>C]GTTGGGATGACACCATTCTCTGTTTTTTCATGCTTGTTGTTAAATAACATACAAAAATCT-3'
Protein context (NP_001035197.1, residues 927-947): HEKTENGVIP[Thr937=]SDSATQDNSF

ClinVar aggregate classification (germline): Benign/Likely benign. Review status: criteria provided, multiple submitters, no conflicts (2 of 4 stars). 4 submissions from 4 submitters: Benign (1); Likely benign (3). Last evaluated 2026-09-18.

Conditions:
Colorectal cancer, hereditary nonpolyposis, type 7. Identifiers: Orphanet 144, MedGen C1858380, MONDO:0013725, OMIM 614385.

Allele frequency attached by ClinVar (database versions not stated): gnomAD exomes below 0.00001.
gnomAD v4.1: 2 of 1,614,160 alleles (0.00012%); highest among the groups gnomAD compares: Non-Finnish European, 0.00017%; no homozygotes.

Submissions (4):

Myriad Genetics, Inc.
Classification: Benign for Colorectal cancer, hereditary nonpolyposis, type 7. Last evaluated: 2026-09-18. Review status: criteria provided, single submitter. Criteria: Myriad Autosomal Dominant, Autosomal Recessive and X-Linked Classification Criteria (2023). Collection method: clinical testing. Allele origin: unknown.
Comment: This variant is considered benign. This variant is a silent/synonymous amino acid change and it is not expected to impact splicing.

Labcorp Genetics (formerly Invitae), Labcorp
Classification: Likely benign for Colorectal cancer, hereditary nonpolyposis, type 7. Last evaluated: 2024-03-05. Review status: criteria provided, single submitter. Criteria: Invitae Variant Classification Sherloc (09022015). Collection method: clinical testing. Allele origin: germline.

Ambry Genetics
Classification: Likely benign. Last evaluated: 2023-02-10. Review status: criteria provided, single submitter. Criteria: Ambry Variant Classification Scheme 2023. Collection method: clinical testing. Allele origin: germline.

CeGaT Center for Human Genetics Tuebingen
Classification: Likely benign. Last evaluated: 2022-05-01. Review status: criteria provided, single submitter. Criteria: CeGaT Center For Human Genetics Tuebingen Variant Classification Criteria Version 2. Collection method: clinical testing. Allele origin: germline. Affected: yes. Observed: 1 variant allele.
Comment: MLH3: PM2:Supporting, BP4, BP7